The following is an entry in ClinVar:

ClinVar aggregate classification (germline): Uncertain significance (1 of 4 stars; one submission).

Allele frequency attached by ClinVar (database versions not stated): gnomAD exomes 0.00001; TOPMed 0.00001.

Submission:

Labcorp Genetics (formerly Invitae), Labcorp
Classification: Uncertain significance. Last evaluated: 2021-11-04. Review status: criteria provided, single submitter. Criteria: Invitae Variant Classification Sherloc (09022015). Collection method: clinical testing. Allele origin: germline.
Comment: Algorithms developed to predict the effect of sequence changes on RNA splicing suggest that this variant may disrupt the consensus splice site. In summary, the available evidence is currently insufficient to determine the role of this variant in disease. Therefore, it has been classified as a Variant of Uncertain Significance. This sequence change affects an acceptor splice site in intron 7 of the CCDC141 gene. It is expected to disrupt RNA splicing. Variants that disrupt the donor or acceptor splice site typically lead to a loss of protein function (PMID: 16199547), however the current clinical and genetic evidence is not sufficient to establish whether loss-of-function variants in CCDC141 cause disease. This variant is present in population databases (no rsID available, gnomAD 0.02%). This variant has not been reported in the literature in individuals affected with CCDC141-related conditions.

Literature cited by the submitters: PubMed 16199547.

NM_173648.4(CCDC141):c.1093-2A>G

Gene: CCDC141 (coiled-coil domain containing 141; minus strand). Cytogenetic location: 2q31.2.
Variant type: single nucleotide variant.
Coding change: c.1093-2A>G on transcript NM_173648.4 (MANE Select); the canonical splice acceptor site of the intron before coding-DNA position 1093, A replaced by G.
Molecular consequence: splice acceptor variant.
Genome position (GRCh38, 1-based): chr2:178,905,503, T>C on the plus strand (A>G on the coding strand, the complement: CCDC141 is on the minus strand). VCF-style: chr2-178905503-T-C. GRCh37 (hg19) VCF-style: chr2-179770230-T-C.
Other names: c.1093-2A>G (NM_001316745.2).
Identifiers: ClinVar variation 1516300 (VCV001516300.6), dbSNP rs911278277, ClinGen allele CA61015679.